The following is an entry in ClinVar:

ClinVar aggregate classification (germline): Uncertain significance. Review status: criteria provided, multiple submitters, no conflicts (2 of 4 stars). 3 submissions from 3 submitters: Uncertain significance (3). Last evaluated 2025-04-03.

Conditions:
Arrhythmogenic right ventricular dysplasia 9 (ARVD9). Also called: Arrhythmogenic Right Ventricular Dysplasia/Cardiomyopathy 9; ARRHYTHMOGENIC RIGHT VENTRICULAR DYSPLASIA, FAMILIAL, 9. Identifiers: MedGen C1836906, MONDO:0012180, OMIM 609040.

Allele frequency attached by ClinVar (database versions not stated): gnomAD exomes below 0.00001; ExAC 0.00001; gnomAD 0.00001.
gnomAD v4.1: 3 of 1,613,642 alleles (0.00019%); highest among the groups gnomAD compares: Admixed American, 0.0017%; no homozygotes.

Submissions (3):

Women's Health and Genetics/Laboratory Corporation of America, LabCorp
Classification: Uncertain significance. Last evaluated: 2025-04-03. Review status: criteria provided, single submitter. Criteria: LabCorp Variant Classification Summary - May 2015. Collection method: clinical testing. Allele origin: germline.

ARUP Laboratories, Molecular Genetics and Genomics, ARUP Laboratories
Classification: Uncertain significance for Arrhythmogenic right ventricular dysplasia 9. Last evaluated: 2023-10-18. Review status: criteria provided, single submitter. Criteria: ARUP Molecular Germline Variant Investigation Process 2024. Collection method: clinical testing. Allele origin: germline.
Comment: The PKP2 c.2501A>G; p.Asn834Ser variant (rs762759462), to our knowledge, is not reported in the medical literature but is reported in ClinVar (Variation ID: 1929076). This variant is only observed on two alleles in the Genome Aggregation Database, indicating it is not a common polymorphism. Computational analyses predict that this variant is neutral (REVEL: 0.072). However, given the lack of clinical and functional data, the significance of this variant is uncertain at this time.

Labcorp Genetics (formerly Invitae), Labcorp
Classification: Uncertain significance for Arrhythmogenic right ventricular dysplasia 9. Last evaluated: 2022-01-11. Review status: criteria provided, single submitter. Criteria: Invitae Variant Classification Sherloc (09022015). Collection method: clinical testing. Allele origin: germline.
Comment: This sequence change replaces asparagine, which is neutral and polar, with serine, which is neutral and polar, at codon 834 of the PKP2 protein (p.Asn834Ser). This variant is present in population databases (rs762759462, gnomAD 0.003%). This variant has not been reported in the literature in individuals affected with PKP2-related conditions. Algorithms developed to predict the effect of missense changes on protein structure and function output the following: SIFT: "Tolerated"; PolyPhen-2: "Benign"; Align-GVGD: "Class C0". The serine amino acid residue is found in multiple mammalian species, which suggests that this missense change does not adversely affect protein function. Algorithms developed to predict the effect of sequence changes on RNA splicing suggest that this variant may create or strengthen a splice site. In summary, the available evidence is currently insufficient to determine the role of this variant in disease. Therefore, it has been classified as a Variant of Uncertain Significance.

NM_001005242.3(PKP2):c.2369A>G (p.Asn790Ser)

Gene: PKP2 (plakophilin 2; minus strand). Cytogenetic location: 12p11.21.
Variant type: single nucleotide variant.
Coding change: c.2369A>G on transcript NM_001005242.3 (MANE Select); coding-DNA position 2369, A replaced by G.
Protein change: p.Asn790Ser; replaces asparagine 790 with serine.
Molecular consequence: missense variant.
Genome position (GRCh38, 1-based): chr12:32,792,720, T>C on the plus strand (A>G on the coding strand, the complement: PKP2 is on the minus strand). VCF-style: chr12-32792720-T-C. GRCh37 (hg19) VCF-style: chr12-32945654-T-C.
Other names: c.2179A>G, p.Thr727Ala (NM_001407155.1); c.2204A>G, p.Asn735Ser (NM_001407156.1); c.2042A>G, p.Asn681Ser (NM_001407158.1, NM_001407159.1); c.1852A>G, p.Thr618Ala (NM_001407160.1); c.2501A>G, p.Asn834Ser (NM_004572.4); short protein forms N790S, N834S, T727A, N681S, N735S, T618A.
Identifiers: ClinVar variation 1929076 (VCV001929076.8), dbSNP rs762759462, ClinGen allele CA035652.